The following is an entry in ClinVar:

NM_000540.3(RYR1):c.10445G>T (p.Gly3482Val)

Gene: RYR1 (ryanodine receptor 1; plus strand). Cytogenetic location: 19q13.2.
Variant type: single nucleotide variant.
Coding change: c.10445G>T on transcript NM_000540.3 (MANE Select); coding-DNA position 10445, G replaced by T.
Protein change: p.Gly3482Val; replaces glycine 3482 with valine.
Molecular consequence: missense variant. On other transcripts: intron variant (1).
Genome position (GRCh38, 1-based): chr19:38,523,919, G>T. VCF-style: chr19-38523919-G-T. GRCh37 (hg19) VCF-style: chr19-39014559-G-T.
Other names: c.10440+610G>T (NM_001042723.2); short protein forms G3482V.
Identifiers: ClinVar variation 3075251 (VCV003075251.1), dbSNP rs1971340205, ClinGen allele CA405700086.

ClinVar aggregate classification (germline): Uncertain significance (1 of 4 stars; one submission).

Conditions:
Malignant hyperthermia, susceptibility to, 1 (MHS1). Also called: Anesthesia related hyperthermia; Malignant hyperpyrexia; Fulminating hyperpyrexia; Pharmacogenic myopathy; RYR1-Related Malignant Hyperthermia Susceptibility; Malignant hyperthermia suceptibility 1. Identifiers: Orphanet 423, MedGen C2930980, MONDO:0007783, OMIM 145600.

Allele frequency attached by ClinVar (database versions not stated): gnomAD exomes below 0.00001; TOPMed below 0.00001.

Submission:

All of Us Research Program, National Institutes of Health
Classification: Uncertain significance for Malignant hyperthermia, susceptibility to, 1. Last evaluated: 2024-01-03. Review status: criteria provided, single submitter. Criteria: ACMG Guidelines, 2015. Collection method: clinical testing. Allele origin: germline. Inheritance: Autosomal dominant inheritance. Observed: 1 variant allele, 1 heterozygote.
Comment: This missense variant replaces glycine with valine at codon 3482 of the RYR1 protein. Computational prediction suggests that this variant may not impact protein structure and function (internally defined REVEL score threshold <= 0.5, PMID: 27666373). To our knowledge, functional studies have not been reported for this variant. This variant has not been reported in individuals affected with RYR1-related disorders in the literature. This variant has not been identified in the general population by the Genome Aggregation Database (gnomAD). The available evidence is insufficient to determine the role of this variant in disease conclusively. Therefore, this variant is classified as a Variant of Uncertain Significance.

This study involves interpretation of variants in research participants for the purpose of population health screening. Participant phenotype was not available at the time of variant classification. Additional details can be found in publication PMID: 35346344, PMCID: PMC8962531